The following is an entry in ClinVar:

ClinVar aggregate classification (germline): Uncertain significance (1 of 4 stars; one submission).

Submission:

Labcorp Genetics (formerly Invitae), Labcorp
Classification: Uncertain significance. Last evaluated: 2025-06-22. Review status: criteria provided, single submitter. Criteria: Invitae Variant Classification Sherloc (09022015). Collection method: clinical testing. Allele origin: germline.
Comment: This sequence change replaces glycine, which is neutral and non-polar, with arginine, which is basic and polar, at codon 166 of the PAX1 protein (p.Gly166Arg). This variant is present in population databases (no rsID available, gnomAD 0.0009%). This variant has not been reported in the literature in individuals affected with PAX1-related conditions. Invitae Evidence Modeling of protein sequence and biophysical properties (such as structural, functional, and spatial information, amino acid conservation, physicochemical variation, residue mobility, and thermodynamic stability) indicates that this missense variant is not expected to disrupt PAX1 protein function with a negative predictive value of 80%. This variant disrupts the p.Gly166 amino acid residue in PAX1. Other variant(s) that disrupt this residue have been determined to be pathogenic (PMID: 23851939). This suggests that this residue is clinically significant, and that variants that disrupt this residue are likely to be disease-causing. In summary, the available evidence is currently insufficient to determine the role of this variant in disease. Therefore, it has been classified as a Variant of Uncertain Significance.

Literature cited by the submitters: PubMed 23851939.

NM_001257096.2(PAX1):c.496G>C (p.Gly166Arg)

Gene: PAX1 (paired box 1; plus strand). Cytogenetic location: 20p11.22.
Variant type: single nucleotide variant.
Coding change: c.496G>C on transcript NM_001257096.2 (MANE Select); coding-DNA position 496, G replaced by C.
Protein change: p.Gly166Arg; replaces glycine 166 with arginine.
Molecular consequence: missense variant.
Genome position (GRCh38, 1-based): chr20:21,706,647, G>C. VCF-style: chr20-21706647-G-C. GRCh37 (hg19) VCF-style: chr20-21687285-G-C.
Other names: c.496G>C, p.Gly166Arg (NM_006192.5); short protein forms G166R.
Identifiers: ClinVar variation 4799402 (VCV004799402.1).